The following is an entry in ClinVar:

NM_000439.5(PCSK1):c.945T>C (p.Asp315=)

Genes: CAST (calpastatin; plus strand), PCSK1 (proprotein convertase subtilisin/kexin type 1; minus strand), LOC101929710 (uncharacterized LOC101929710; plus strand). Cytogenetic location: 5q15.
Variant type: single nucleotide variant.
Coding change: c.945T>C on transcript NM_000439.5 (MANE Select); coding-DNA position 945, T replaced by C.
Protein change: p.Asp315=; no amino-acid change (aspartic acid 315 retained).
Molecular consequence: synonymous variant.
Genome position (GRCh38, 1-based): chr5:96,410,924, A>G on the plus strand (T>C on the coding strand, the complement: PCSK1 is on the minus strand). VCF-style: chr5-96410924-A-G. GRCh37 (hg19) VCF-style: chr5-95746628-A-G.
Other names: c.804T>C, p.Asp268= (NM_001177875.2).
Identifiers: ClinVar variation 905359 (VCV000905359.5), dbSNP rs1183710202, ClinGen allele CA445494418.

ClinVar aggregate classification (germline): Uncertain significance. Review status: criteria provided, single submitter (1 of 4 stars). 2 submissions from 2 submitters: Uncertain significance (1). 1 of the submissions does not count toward it. Last evaluated 2018-01-13.

Conditions:
Obesity due to prohormone convertase I deficiency. Also called: OBESITY AND ENDOCRINOPATHY DUE TO IMPAIRED PROCESSING OF PROHORMONES. Identifiers: Orphanet 71528, MedGen C1833053, MONDO:0010961, OMIM 600955.
PCSK1-related disorder. Also called: PCSK1-related condition.

Allele frequency attached by ClinVar (database versions not stated): TOPMed below 0.00001; gnomAD 0.00001; gnomAD exomes 0.00001 and 0.00002.
gnomAD v4.1: 10 of 1,613,844 alleles (0.00062%); highest among the groups gnomAD compares: South Asian, 0.0011%; no homozygotes.

Submissions (2):

Illumina Laboratory Services, Illumina
Classification: Uncertain significance for Obesity due to prohormone convertase I deficiency. Last evaluated: 2018-01-13. Review status: criteria provided, single submitter. Criteria: ICSL Variant Classification Criteria 13 December 2019. Collection method: clinical testing. Allele origin: germline.

PreventionGenetics, part of Exact Sciences
Classification: Likely benign for PCSK1-related condition. Last evaluated: 2024-09-04. Review status: no assertion criteria provided. Collection method: clinical testing. Allele origin: germline. Not counted in ClinVar's aggregate classification.
Comment: This variant is classified as likely benign based on ACMG/AMP sequence variant interpretation guidelines (Richards et al. 2015 PMID: 25741868, with internal and published modifications).